The following is an entry in ClinVar:

NM_002439.5(MSH3):c.3265A>C (p.Lys1089Gln)

Gene: MSH3 (mutS homolog 3; plus strand). Cytogenetic location: 5q14.1.
Variant type: single nucleotide variant.
Coding change: c.3265A>C on transcript NM_002439.5 (MANE Select); coding-DNA position 3265, A replaced by C.
Protein change: p.Lys1089Gln; replaces lysine 1089 with glutamine.
Molecular consequence: missense variant.
Genome position (GRCh38, 1-based): chr5:80,873,250, A>C. VCF-style: chr5-80873250-A-C. GRCh37 (hg19) VCF-style: chr5-80169069-A-C.
Other names: short protein forms K1089Q.
Identifiers: ClinVar variation 857336 (VCV000857336.14), dbSNP rs979702683, ClinGen allele CA121753099.

ClinVar aggregate classification (germline): Uncertain significance. Review status: criteria provided, multiple submitters, no conflicts (2 of 4 stars). 3 submissions from 3 submitters: Uncertain significance (3). Last evaluated 2025-11-09.

Conditions:
Endometrial carcinoma. Also called: Endometrial carcinoma, somatic. Identifiers: MedGen C0476089, MONDO:0002447, OMIM 608089, HP:0012114.
Hereditary cancer-predisposing syndrome. Also called: Tumor predisposition; Hereditary neoplastic syndrome; Neoplastic Syndromes, Hereditary; Hereditary Cancer Syndrome. Identifiers: Orphanet 140162, MedGen C0027672, MeSH D009386, MONDO:0015356.

Allele frequency attached by ClinVar (database versions not stated): gnomAD below 0.00001 and 0.00001; gnomAD exomes below 0.00001; TOPMed below 0.00001.
gnomAD v4.1: 3 of 1,613,884 alleles (0.00019%); highest among the groups gnomAD compares: South Asian, 0.0011%; no homozygotes.

Submissions (3):

Labcorp Genetics (formerly Invitae), Labcorp
Classification: Uncertain significance. Last evaluated: 2025-11-09. Review status: criteria provided, single submitter. Criteria: Invitae Variant Classification Sherloc (09022015). Collection method: clinical testing. Allele origin: germline.
Comment: This sequence change replaces lysine, which is basic and polar, with glutamine, which is neutral and polar, at codon 1089 of the MSH3 protein (p.Lys1089Gln). This variant is not present in population databases (gnomAD no frequency). This variant has not been reported in the literature in individuals affected with MSH3-related conditions. ClinVar contains an entry for this variant (Variation ID: 857336). An algorithm developed to predict the effect of missense changes on protein structure and function (PolyPhen-2) suggests that this variant is likely to be disruptive. In summary, the available evidence is currently insufficient to determine the role of this variant in disease. Therefore, it has been classified as a Variant of Uncertain Significance.

Ambry Genetics
Classification: Uncertain significance for Hereditary cancer-predisposing syndrome. Last evaluated: 2025-05-05. Review status: criteria provided, single submitter. Criteria: Ambry Variant Classification Scheme 2023. Collection method: clinical testing. Allele origin: germline.
Comment: The p.K1089Q variant (also known as c.3265A>C), located in coding exon 23 of the MSH3 gene, results from an A to C substitution at nucleotide position 3265. The lysine at codon 1089 is replaced by glutamine, an amino acid with similar properties. This amino acid position is highly conserved in available vertebrate species. In addition, the in silico prediction for this alteration is inconclusive. Since supporting evidence is limited at this time, the clinical significance of this alteration remains unclear.

Baylor Genetics
Classification: Uncertain significance for Endometrial carcinoma. Last evaluated: 2024-01-06. Review status: criteria provided, single submitter. Criteria: ACMG Guidelines, 2015. Collection method: clinical testing. Allele origin: unknown.